The following is an entry in ClinVar:

ClinVar aggregate classification (germline): Uncertain significance. Review status: criteria provided, multiple submitters, no conflicts (2 of 4 stars). 2 submissions from 2 submitters: Uncertain significance (2). Last evaluated 2025-02-19.

Conditions:
Charcot-Marie-Tooth disease, demyelinating, type 1G (CMT1G). Identifiers: Orphanet 476394, MedGen C4748940, MONDO:0033135, OMIM 618279.

Allele frequency attached by ClinVar (database versions not stated): 1000 Genomes Project 30x 0.00031; 1000 Genomes Project 0.00040.
gnomAD v4.1: 50 of 1,613,650 alleles (0.0031%); highest among the groups gnomAD compares: African/African-American, 0.048%; no homozygotes.

Submissions (2):

Revvity Omics, Revvity
Classification: Uncertain significance for Charcot-Marie-Tooth disease, demyelinating, type 1G. Last evaluated: 2025-02-19. Review status: criteria provided, single submitter. Criteria: ACMG Guidelines, 2015. Collection method: clinical testing. Allele origin: germline.

Labcorp Genetics (formerly Invitae), Labcorp
Classification: Uncertain significance. Last evaluated: 2025-01-29. Review status: criteria provided, single submitter. Criteria: Invitae Variant Classification Sherloc (09022015). Collection method: clinical testing. Allele origin: germline.
Comment: This sequence change replaces asparagine, which is neutral and polar, with threonine, which is neutral and polar, at codon 60 of the PMP2 protein (p.Asn60Thr). This variant is present in population databases (rs76057946, gnomAD 0.02%). This variant has not been reported in the literature in individuals affected with PMP2-related conditions. ClinVar contains an entry for this variant (Variation ID: 2413263). An algorithm developed to predict the effect of missense changes on protein structure and function outputs the following: PolyPhen-2: "Benign". The threonine amino acid residue is found in multiple mammalian species, which suggests that this missense change does not adversely affect protein function. In summary, the available evidence is currently insufficient to determine the role of this variant in disease. Therefore, it has been classified as a Variant of Uncertain Significance.

NM_002677.5(PMP2):c.179A>C (p.Asn60Thr)

Gene: PMP2 (peripheral myelin protein 2; minus strand). Cytogenetic location: 8q21.13.
Variant type: single nucleotide variant.
Coding change: c.179A>C on transcript NM_002677.5 (MANE Select); coding-DNA position 179, A replaced by C.
Protein change: p.Asn60Thr; replaces asparagine 60 with threonine.
Molecular consequence: missense variant. On other transcripts: intron variant (1).
Genome position (GRCh38, 1-based): chr8:81,444,884, T>G on the plus strand (A>C on the coding strand, the complement: PMP2 is on the minus strand). VCF-style: chr8-81444884-T-G. GRCh37 (hg19) VCF-style: chr8-82357119-T-G.
Other names: c.74-283A>C (NM_001348381.2); short protein forms N60T.
Identifiers: ClinVar variation 2413263 (VCV002413263.6), dbSNP rs76057946, ClinGen allele CA4791966.